The following is an entry in ClinVar:

NM_015311.3(OBSL1):c.4453C>T (p.Arg1485Ter)

Gene: OBSL1 (obscurin like cytoskeletal adaptor 1; minus strand). Cytogenetic location: 2q35.
Variant type: single nucleotide variant.
Coding change: c.4453C>T on transcript NM_015311.3 (MANE Select); coding-DNA position 4453, C replaced by T.
Protein change: p.Arg1485Ter; replaces arginine 1485 with a stop codon.
Molecular consequence: nonsense.
Genome position (GRCh38, 1-based): chr2:219,556,176, G>A on the plus strand (C>T on the coding strand, the complement: OBSL1 is on the minus strand). VCF-style: chr2-219556176-G-A. GRCh37 (hg19) VCF-style: chr2-220420898-G-A.
Other names: c.4453C>T, p.Arg1485Ter (NM_001173431.2); short protein forms R1485*.
Identifiers: ClinVar variation 1448835 (VCV001448835.37), dbSNP rs568750433, ClinGen allele CA2130539.

ClinVar aggregate classification (germline): Conflicting classifications of pathogenicity. Review status: criteria provided, conflicting classifications (1 of 4 stars). 7 submissions from 7 submitters: Pathogenic (1); Likely pathogenic (2); Uncertain significance (4). Last evaluated 2025-12-01.

Conditions:
3M syndrome 2. Also called: THREE M SYNDROME 2; 3-M Syndrome, OBSL1-Related. Identifiers: Orphanet 2616, MedGen C2752041, MONDO:0013039, OMIM 612921.
Monogenic short stature.

Allele frequency attached by ClinVar (database versions not stated): gnomAD 0.00001 and 0.00003; TOPMed 0.00001; ExAC 0.00002; gnomAD exomes 0.00002; 1000 Genomes Project 30x 0.00016; 1000 Genomes Project 0.00020.
gnomAD v4.1: 36 of 1,612,830 alleles (0.0022%); highest among the groups gnomAD compares: African/African-American, 0.0027%; 1 homozygote.

Submissions (7):

CeGaT Center for Human Genetics Tuebingen
Classification: Uncertain significance. Last evaluated: 2025-12-01. Review status: criteria provided, single submitter. Criteria: CeGaT Center For Human Genetics Tuebingen Variant Classification Criteria Version 2. Collection method: clinical testing. Allele origin: germline. Affected: yes. Observed: 2 variant alleles.
Comment: OBSL1: PM2

Cambridge Genomics Laboratory, East Genomic Laboratory Hub, NHS Genomic Medicine Service
Classification: Pathogenic for Monogenic short stature. Last evaluated: 2025-06-11. Review status: criteria provided, single submitter. Criteria: ACGS Best Practice Guidelines for Variant Classification in Rare Disease 2020. Collection method: clinical testing. Allele origin: germline. Affected: yes.
Comment: PVS1,PM2

First Genomix Gene Laboratory, Genetic Diagnostics Department
Classification: Likely pathogenic for 3M syndrome 2. Last evaluated: 2025-05-27. Review status: criteria provided, single submitter. Criteria: ACMG Guidelines, 2015. Collection method: clinical testing. Allele origin: germline. Inheritance: Autosomal recessive inheritance. Affected: no. Observed: 1 variant allele.

Blueprint Genetics
Classification: Uncertain significance. Last evaluated: 2024-09-12. Review status: criteria provided, single submitter. Criteria: ACMG Guidelines, 2015. Collection method: clinical testing. Allele origin: germline.

Labcorp Genetics (formerly Invitae), Labcorp
Classification: Uncertain significance. Last evaluated: 2024-08-12. Review status: criteria provided, single submitter. Criteria: Invitae Variant Classification Sherloc (09022015). Collection method: clinical testing. Allele origin: germline.
Comment: This sequence change creates a premature translational stop signal (p.Arg1485*) in the OBSL1 gene. However, it is currently unclear if variants that occur in this region of the gene cause disease. This variant is present in population databases (rs568750433, gnomAD 0.01%). This variant has not been reported in the literature in individuals affected with OBSL1-related conditions. ClinVar contains an entry for this variant (Variation ID: 1448835). In summary, the available evidence is currently insufficient to determine the role of this variant in disease. Therefore, it has been classified as a Variant of Uncertain Significance.

GeneDx
Classification: Uncertain significance. Last evaluated: 2024-08-05. Review status: criteria provided, single submitter. Criteria: GeneDx Variant Classification Process June 2021. Collection method: clinical testing. Allele origin: germline. Affected: yes.
Comment: Nonsense variant predicted to result in protein truncation or nonsense mediated decay in a gene for which loss of function is a known mechanism of disease; Has not been previously published as pathogenic or benign to our knowledge

Genomic Medicine Center of Excellence, King Faisal Specialist Hospital and Research Centre
Classification: Likely pathogenic for 3M syndrome 2. Last evaluated: 2024-03-29. Review status: criteria provided, single submitter. Criteria: ACMG Guidelines, 2015. Collection method: clinical testing. Allele origin: germline.